The following is an entry in ClinVar:

NM_004006.3(DMD):c.289A>G (p.Thr97Ala)

Gene: DMD (dystrophin; minus strand). Cytogenetic location: Xp21.1.
Variant type: single nucleotide variant.
Coding change: c.289A>G on transcript NM_004006.3 (MANE Select); coding-DNA position 289, A replaced by G.
Protein change: p.Thr97Ala; replaces threonine 97 with alanine.
Molecular consequence: missense variant. On other transcripts: 5 prime UTR variant (1).
Genome position (GRCh38, 1-based): chrX:32,823,363, T>C on the plus strand (A>G on the coding strand, the complement: DMD is on the minus strand). VCF-style: chrX-32823363-T-C. GRCh37 (hg19) VCF-style: chrX-32841480-T-C.
Other names: c.265A>G, p.Thr89Ala (NM_000109.4); c.277A>G, p.Thr93Ala (NM_004009.3); c.-81A>G (NM_004010.3); short protein forms T97A, T89A, T93A.
Identifiers: ClinVar variation 455888 (VCV000455888.6), dbSNP rs1557058403, ClinGen allele CA412674558.

ClinVar aggregate classification (germline): Uncertain significance (1 of 4 stars; one submission).

Conditions:
Duchenne muscular dystrophy (DMD). Also called: MUSCULAR DYSTROPHY, PSEUDOHYPERTROPHIC PROGRESSIVE, DUCHENNE TYPE; Duchenne Muscular Dystrophy (DMD). Identifiers: Orphanet 98896, MedGen C0013264, MONDO:0010679, OMIM 310200.

Submission:

Labcorp Genetics (formerly Invitae), Labcorp
Classification: Uncertain significance for Duchenne muscular dystrophy. Last evaluated: 2021-09-01. Review status: criteria provided, single submitter. Criteria: Invitae Variant Classification Sherloc (09022015). Collection method: clinical testing. Allele origin: germline.
Comment: This sequence change replaces threonine with alanine at codon 97 of the DMD protein (p.Thr97Ala). The threonine residue is moderately conserved and there is a small physicochemical difference between threonine and alanine. This variant is not present in population databases (ExAC no frequency). This variant has not been reported in the literature in individuals affected with DMD-related conditions. Algorithms developed to predict the effect of missense changes on protein structure and function output the following: SIFT: "Tolerated"; PolyPhen-2: "Benign"; Align-GVGD: "Class C0". The alanine amino acid residue is found in multiple mammalian species, which suggests that this missense change does not adversely affect protein function. In summary, the available evidence is currently insufficient to determine the role of this variant in disease. Therefore, it has been classified as a Variant of Uncertain Significance.